The following is an entry in ClinVar:

NM_000090.4(COL3A1):c.2704G>T (p.Asp902Tyr)

Gene: COL3A1 (collagen type III alpha 1 chain; plus strand). Cytogenetic location: 2q32.2.
Variant type: single nucleotide variant.
Coding change: c.2704G>T on transcript NM_000090.4 (MANE Select); coding-DNA position 2704, G replaced by T.
Protein change: p.Asp902Tyr; replaces aspartic acid 902 with tyrosine.
Molecular consequence: missense variant.
Genome position (GRCh38, 1-based): chr2:189,004,024, G>T. VCF-style: chr2-189004024-G-T. GRCh37 (hg19) VCF-style: chr2-189868750-G-T.
Other names: short protein forms D902Y.
Identifiers: ClinVar variation 4778436 (VCV004778436.1).

ClinVar aggregate classification (germline): Uncertain significance (1 of 4 stars; one submission).

Conditions:
Ehlers-Danlos syndrome, type 4 (EDSVASC). Also called: Ehlers-Danlos syndrome vascular type; Ehlers Danlos syndrome, ecchymotic type; Ehlers Danlos syndrome, arterial type; Ehlers Danlos syndrome, Sack-Barabas type; Ehlers-Danlos Syndrome Type IV. Identifiers: Orphanet 286, MedGen C0268338, MONDO:0017314, OMIM 130050.

Submission:

Labcorp Genetics (formerly Invitae), Labcorp
Classification: Uncertain significance for Ehlers-Danlos syndrome, type 4. Last evaluated: 2025-06-30. Review status: criteria provided, single submitter. Criteria: Invitae Variant Classification Sherloc (09022015). Collection method: clinical testing. Allele origin: germline.
Comment: This sequence change replaces aspartic acid, which is acidic and polar, with tyrosine, which is neutral and polar, at codon 902 of the COL3A1 protein (p.Asp902Tyr). This variant is not present in population databases (gnomAD no frequency). This variant has not been reported in the literature in individuals affected with COL3A1-related conditions. Invitae Evidence Modeling of protein sequence and biophysical properties (such as structural, functional, and spatial information, amino acid conservation, physicochemical variation, residue mobility, and thermodynamic stability) has been performed for this missense variant. However, the output from this modeling did not meet the statistical confidence thresholds required to predict the impact of this variant on COL3A1 protein function. In summary, the available evidence is currently insufficient to determine the role of this variant in disease. Therefore, it has been classified as a Variant of Uncertain Significance.